The following is an entry in ClinVar:

NM_000138.5(FBN1):c.1525G>T (p.Gly509Cys)

Gene: FBN1 (fibrillin 1; minus strand). Cytogenetic location: 15q21.1.
Variant type: single nucleotide variant.
Coding change: c.1525G>T on transcript NM_000138.5 (MANE Select); coding-DNA position 1525, G replaced by T.
Protein change: p.Gly509Cys; replaces glycine 509 with cysteine.
Molecular consequence: missense variant.
Genome position (GRCh38, 1-based): chr15:48,513,612, C>A on the plus strand (G>T on the coding strand, the complement: FBN1 is on the minus strand). VCF-style: chr15-48513612-C-A. GRCh37 (hg19) VCF-style: chr15-48805809-C-A.
Other names: short protein forms G509C.
Identifiers: ClinVar variation 406345 (VCV000406345.8), dbSNP rs1060501073, ClinGen allele CA16614676.

ClinVar aggregate classification (germline): Likely pathogenic (1 of 4 stars; one submission).

Conditions:
Marfan syndrome (MFS). Also called: Marfan syndrome, classic; Marfan syndrome type 1; Marfan's syndrome; MARFAN SYNDROME, TYPE I; FBN1-Related Marfan Syndrome. Identifiers: Orphanet 284963, Orphanet 558, MedGen C0024796, MONDO:0007947, OMIM 154700.
Familial thoracic aortic aneurysm and aortic dissection (TAAD). Also called: Thoracic aortic aneurysms and dissections. Identifiers: Orphanet 91387, MedGen C4707243, MONDO:0019625.

Submission:

Labcorp Genetics (formerly Invitae), Labcorp
Classification: Likely pathogenic for Marfan syndrome; Familial thoracic aortic aneurysm and aortic dissection. Last evaluated: 2017-05-05. Review status: criteria provided, single submitter. Criteria: Invitae Variant Classification Sherloc (09022015). Collection method: clinical testing. Allele origin: germline.
Comment: This variant has been reported to segregate with Marfan syndrome in a single family (PMID: Invitae database). The variant is seen in three individuals from two generations of the family. In summary, this variant is a rare missense change affecting a residue required for protein stability. Although additional genetic data will be necessary to further confirm pathogenicity for this variant. For these reasons, this variant has been classified as Likely Pathogenic. This variant generates a cysteine residue in an epidermal-growth-factor (EGF)–like domain of the FBN1 protein. Cysteine residues in these domains have been shown to be involved in the formation of disulfide bridges, which are critical for FBN1 protein structure and stability (PMID: 4750422, 16677079). Cysteine creating variants in these domains have been shown to affect protein stability and are overrepresented among individuals with Marfan syndrome (PMID: 15161917, 16571647, 17701892). This variant is not present in population databases (ExAC no frequency). This sequence change replaces glycine with cysteine at codon 509 of the FBN1 protein (p.Gly509Cys). The glycine residue is highly conserved and there is a large physicochemical difference between glycine and cysteine.

Literature cited by the submitters: PubMed 4750422; PubMed 16677079; PubMed 15161917; PubMed 16571647; PubMed 17701892.